The following is an entry in ClinVar:

ClinVar aggregate classification (germline): Likely pathogenic (1 of 4 stars; one submission).

Conditions:
Mucopolysaccharidosis, MPS-III-C (MPS3C). Also called: SANFILIPPO SYNDROME C; MPS III C; MUCOPOLYSACCHARIDOSIS, TYPE IIIC; Mucopolysaccharidosis type IIIC (Sanfilippo C); mucopolysaccharidosis type 3C; MPS IIIC (Sanfilippo Syndrome Type C). Identifiers: Orphanet 581, Orphanet 79271, MedGen C0086649, MONDO:0009657, OMIM 252930.

Submission:

3billion
Classification: Likely pathogenic for Mucopolysaccharidosis, MPS-III-C. Last evaluated: 2024-08-23. Review status: criteria provided, single submitter. Criteria: ACMG Guidelines, 2015. Collection method: clinical testing. Allele origin: germline. Affected: yes.
Comment: The variant is observed at an extremely low frequency in the gnomAD v4.0.0 dataset (total allele frequency: <0.001%). Predicted Consequence/Location: Canonical splice site: predicted to alter splicing and result in a loss or disruption of normal protein function. Multiple pathogenic loss-of-function variants are reported downstream of the variant. In silico tools predict the variant to alter splicing and produce an abnormal transcript [SpliceAI: 1.00 (spliceogenicity >=0.2, non-spliceogenicity <0.1)]. Therefore, this variant is classified as Likely pathogenic according to the recommendation of ACMG/AMP guideline.

NM_152419.3(HGSNAT):c.1545del

Gene: HGSNAT (heparan-alpha-glucosaminide N-acetyltransferase; plus strand). Cytogenetic location: 8p11.21.
Variant type: Deletion.
Coding change: c.1545del on transcript NM_152419.3 (MANE Select); coding-DNA position 1545, one base deleted (G; older notation c.1545delG).
Molecular consequence: splice acceptor variant.
Genome position (GRCh38, 1-based): chr8:43,197,674, G deleted; the last of 4 consecutive G bases (chr8:43,197,671-43,197,674); deleting any one gives the same sequence. VCF-style (leftmost placement, unchanged base first): chr8-43197670-AG-A. GRCh37 (hg19) VCF-style: chr8-43052813-AG-A.
Identifiers: ClinVar variation 4293176 (VCV004293176.1).